The following is an entry in ClinVar:

ClinVar aggregate classification (germline): Likely pathogenic. Review status: criteria provided, single submitter (1 of 4 stars). 2 submissions from 2 submitters: Likely pathogenic (1). 1 of the submissions does not count toward it. Last evaluated 2020-12-07.

Conditions:
Phelan-McDermid syndrome. Also called: Phelan-McDermid Syndrome-SHANK3 Related; TELOMERIC 22q13 MONOSOMY SYNDROME; 22q13.3 deletion syndrome. Identifiers: Orphanet 48652, MedGen C1853490, MONDO:0011652, OMIM 606232.

Submissions (2):

Greenwood Genetic Center Diagnostic Laboratories, Greenwood Genetic Center
Classification: Likely pathogenic. Last evaluated: 2020-12-07. Review status: criteria provided, single submitter. Criteria: ACMG Guidelines, 2015. Collection method: clinical testing. Allele origin: germline. Affected: yes.
Comment: PS2, PP2, PP3, PM2

OMIM
Classification: Pathogenic for PHELAN-MCDERMID SYNDROME. Last evaluated: 2013-03-01. Review status: no assertion criteria provided. Collection method: literature only. Allele origin: germline. Not counted in ClinVar's aggregate classification.

Literature cited by the submitters: PubMed 22892527 (cited by OMIM).

NM_001372044.2(SHANK3):c.646C>G (p.Pro216Ala)

Gene: SHANK3 (SH3 and multiple ankyrin repeat domains 3; plus strand). Cytogenetic location: 22q13.33.
Variant type: single nucleotide variant.
Coding change: c.646C>G on transcript NM_001372044.2 (MANE Select); coding-DNA position 646, C replaced by G.
Protein change: p.Pro216Ala; replaces proline 216 with alanine.
Molecular consequence: missense variant.
Genome position (GRCh38, 1-based): chr22:50,678,666, C>G. VCF-style: chr22-50678666-C-G. GRCh37 (hg19) VCF-style: chr22-51117094-C-G.
Other names: c.421C>G, p.Pro141Ala (NM_033517.1); short protein forms P141A, P216A.
Identifiers: ClinVar variation 50949 (VCV000050949.6), dbSNP rs397514705, ClinGen allele CA263235.